The following is an entry in ClinVar:

NM_138387.4(G6PC3):c.875G>A (p.Gly292Glu)

Gene: G6PC3 (glucose-6-phosphatase catalytic subunit 3; plus strand). Cytogenetic location: 17q21.31.
Variant type: single nucleotide variant.
Coding change: c.875G>A on transcript NM_138387.4 (MANE Select); coding-DNA position 875, G replaced by A.
Protein change: p.Gly292Glu; replaces glycine 292 with glutamic acid.
Molecular consequence: missense variant. On other transcripts: 3 prime UTR variant (1).
Genome position (GRCh38, 1-based): chr17:44,075,877, G>A. VCF-style: chr17-44075877-G-A. GRCh37 (hg19) VCF-style: chr17-42153245-G-A.
Other names: c.*168G>A (NM_001319945.2); c.530G>A, p.Gly177Glu (NM_001384165.1, NM_001384166.1, NM_001384167.1 and 1 more transcripts); short protein forms G292E, G177E.
Identifiers: ClinVar variation 4620494 (VCV004620494.1).

ClinVar aggregate classification (germline): Uncertain significance (1 of 4 stars; one submission).

Conditions:
Inborn genetic diseases. Identifiers: MedGen C0950123, MeSH D030342.

Submission:

Ambry Genetics
Classification: Uncertain significance for Inborn genetic diseases. Last evaluated: 2025-10-11. Review status: criteria provided, single submitter. Criteria: Ambry Variant Classification Scheme 2023. Collection method: clinical testing. Allele origin: germline.
Comment: The p.G292E variant (also known as c.875G>A), located in coding exon 6 of the G6PC3 gene, results from a G to A substitution at nucleotide position 875. The glycine at codon 292 is replaced by glutamic acid, an amino acid with similar properties. This amino acid position is conserved. In addition, the in silico prediction for this alteration is inconclusive. Based on the available evidence, the clinical significance of this variant remains unclear.